The following is an entry in ClinVar:

NM_001134407.3(GRIN2A):c.1295A>G (p.Asn432Ser)

Gene: GRIN2A (glutamate ionotropic receptor NMDA type subunit 2A; minus strand). Cytogenetic location: 16p13.2.
Variant type: single nucleotide variant.
Coding change: c.1295A>G on transcript NM_001134407.3 (MANE Select); coding-DNA position 1295, A replaced by G.
Protein change: p.Asn432Ser; replaces asparagine 432 with serine.
Molecular consequence: missense variant.
Genome position (GRCh38, 1-based): chr16:9,849,789, T>C on the plus strand (A>G on the coding strand, the complement: GRIN2A is on the minus strand). VCF-style: chr16-9849789-T-C. GRCh37 (hg19) VCF-style: chr16-9943646-T-C.
Other names: c.1295A>G, p.Asn432Ser (NM_000833.5, NM_001134408.2); c.1295A>G (NM_000833.3); short protein forms N432S.
Identifiers: ClinVar variation 1051530 (VCV001051530.6), dbSNP rs1390579090, ClinGen allele CA394800982.

ClinVar aggregate classification (germline): Uncertain significance. Review status: criteria provided, multiple submitters, no conflicts (2 of 4 stars). 2 submissions from 2 submitters: Uncertain significance (2). Last evaluated 2025-01-17.

Conditions:
Landau-Kleffner syndrome (FESD). Also called: APHASIA, ACQUIRED, WITH EPILEPSY; EPILEPSY, FOCAL, WITH SPEECH DISORDER AND WITH OR WITHOUT MENTAL RETARDATION. Identifiers: Orphanet 1945, Orphanet 725, Orphanet 98818, MedGen C0282512, MONDO:0009509, OMIM 245570.
Inborn genetic diseases. Identifiers: MedGen C0950123, MeSH D030342.

Allele frequency attached by ClinVar (database versions not stated): gnomAD exomes below 0.00001; TOPMed 0.00001; gnomAD 0.00001.
gnomAD v4.1: 4 of 1,613,960 alleles (0.00025%); highest among the groups gnomAD compares: African/African-American, 0.0013%; no homozygotes.

Submissions (2):

Ambry Genetics
Classification: Uncertain significance for Inborn genetic diseases. Last evaluated: 2025-01-17. Review status: criteria provided, single submitter. Criteria: Ambry Variant Classification Scheme 2023. Collection method: clinical testing. Allele origin: germline.

Labcorp Genetics (formerly Invitae), Labcorp
Classification: Uncertain significance for Landau-Kleffner syndrome. Last evaluated: 2022-11-03. Review status: criteria provided, single submitter. Criteria: Invitae Variant Classification Sherloc (09022015). Collection method: clinical testing. Allele origin: germline.
Comment: This sequence change replaces asparagine, which is neutral and polar, with serine, which is neutral and polar, at codon 432 of the GRIN2A protein (p.Asn432Ser). This variant is present in population databases (no rsID available, gnomAD 0.01%). In summary, the available evidence is currently insufficient to determine the role of this variant in disease. Therefore, it has been classified as a Variant of Uncertain Significance. Advanced modeling of protein sequence and biophysical properties (such as structural, functional, and spatial information, amino acid conservation, physicochemical variation, residue mobility, and thermodynamic stability) performed at Invitae indicates that this missense variant is not expected to disrupt GRIN2A protein function. ClinVar contains an entry for this variant (Variation ID: 1051530). This variant has not been reported in the literature in individuals affected with GRIN2A-related conditions.